The following is an entry in ClinVar:

ClinVar aggregate classification (germline): Pathogenic (1 of 4 stars; one submission).

Submission:

GeneDx
Classification: Pathogenic. Last evaluated: 2014-04-17. Review status: criteria provided, single submitter. Criteria: GeneDx Variant Classification (06012015). Collection method: clinical testing. Allele origin: germline. Affected: yes.
Comment: c.45505_45508dupAACT: p.Phe15170Stop (F15170X) in exon 218 of the TTN gene. The normal sequence with the bases that are duplicated in braces is: CTGT{AACT}TCAG. (NM_001256850.1). The c.45505_45508dupAACT mutation in the TTN gene has not been reported as a disease-causing mutation or as a benign polymorphism to our knowledge. The c.45505_45508dupAACT mutation results in the replacement of a Phenylalanine residue with a Stop codon at position 15170. c.45505_45508dupAACT is predicted to cause loss of normal protein function either by protein truncation or nonsense-mediated mRNA decay. Other truncating TTN variants have been reported in approximately 3% of control alleles (Herman D et al., 2012). However, c.45505_45508dupAACT is located in the A-band region of titin, where the majority of truncating mutations associated with DCM have been reported (Herman et al., 2012). In summary, c.45505_45508dupAACT in the TTN gene is interpreted as a disease-causing mutation. The variant is found in DCM-CRDM panel(s).

NM_001267550.2(TTN):c.50428_50431dup (p.Phe16811Ter)

Genes: TTN (titin; minus strand), TTN-AS1 (TTN antisense RNA 1; plus strand). Cytogenetic location: 2q31.2.
Variant type: Duplication.
Coding change: c.50428_50431dup on transcript NM_001267550.2 (MANE Select); coding-DNA positions 50428 to 50431, 4 bases duplicated (AACT; older notation c.50428_50431dupAACT).
Protein change: p.Phe16811Ter; replaces phenylalanine 16811 with a stop codon.
Molecular consequence: nonsense.
Genome position (GRCh38, 1-based): chr2:178,611,878-178,611,881, AGTT duplicated on the plus strand (AACT on the coding strand, the reverse complement: TTN is on the minus strand); duplicating any 4 consecutive bases within chr2:178,611,878-178,611,882 gives the same sequence; the c. name uses the placement nearest the transcript's 3' end. VCF-style (leftmost placement, unchanged base first): chr2-178611877-A-AAGTT. GRCh37 (hg19) VCF-style: chr2-179476604-A-AAGTT.
Other names: c.45505_45508dup, p.Phe15170Ter (NM_001256850.1); c.23233_23236dup, p.Phe7746Ter (NM_003319.4); c.42724_42727dup, p.Phe14243Ter (NM_133378.4); c.23608_23611dup, p.Phe7871Ter (NM_133432.3); c.23809_23812dup, p.Phe7938Ter (NM_133437.4); c.45505_45508dupAACT (NM_001256850.1); short protein forms F14243*, F15170*, F16811*, F7871*, F7938*, F7746*.
Identifiers: ClinVar variation 202449 (VCV000202449.1), dbSNP rs794729322, ClinGen allele CA309409.